The following is an entry in ClinVar:

NM_005909.5(MAP1B):c.5402C>T (p.Ser1801Leu)

Gene: MAP1B (microtubule associated protein 1B; plus strand). Cytogenetic location: 5q13.2.
Variant type: single nucleotide variant.
Coding change: c.5402C>T on transcript NM_005909.5 (MANE Select); coding-DNA position 5402, C replaced by T.
Protein change: p.Ser1801Leu; replaces serine 1801 with leucine.
Molecular consequence: missense variant.
Genome position (GRCh38, 1-based): chr5:72,198,757, C>T. VCF-style: chr5-72198757-C-T. GRCh37 (hg19) VCF-style: chr5-71494584-C-T.
Other names: c.5024C>T, p.Ser1675Leu (NM_001324255.2); c.5402C>T (NM_005909.4); short protein forms S1675L, S1801L.
Identifiers: ClinVar variation 2365982 (VCV002365982.4), dbSNP rs368052791, ClinGen allele CA3299316.
Genomic context (GRCh38, chr5:72,198,757, plus strand): 5'-AATCTGATATCTCTCCACTCACCCCACGAGAGTCCTCTCCTTTATATTCACCTACTTTTT[C>T]AGATTCTACCTCTGCAGTCAAAGAGAAAACAGCAACTTGCCACAGTTCCTCTTCTCCACC-3'
Protein context (NP_005900.2, residues 1791-1811): ESSPLYSPTF[Ser1801Leu]DSTSAVKEKT

ClinVar aggregate classification (germline): Uncertain significance. Review status: criteria provided, single submitter (1 of 4 stars). 2 submissions from 2 submitters: Uncertain significance (1). 1 of the submissions does not count toward it. Last evaluated 2021-07-15.

Conditions:
MAP1B-related disorder. Also called: MAP1B-related condition.
Inborn genetic diseases. Identifiers: MedGen C0950123, MeSH D030342.

Allele frequency attached by ClinVar (database versions not stated): gnomAD 0.00003; ExAC 0.00005; gnomAD exomes 0.00012; ESP Exome Variant Server 0.00015.
gnomAD v4.1: 186 of 1,614,048 alleles (0.012%); highest among the groups gnomAD compares: Non-Finnish European, 0.013%; no homozygotes.

Submissions (2):

Ambry Genetics
Classification: Uncertain significance for Inborn genetic diseases. Last evaluated: 2021-07-15. Review status: criteria provided, single submitter. Criteria: Ambry Variant Classification Scheme 2023. Collection method: clinical testing. Allele origin: germline.

PreventionGenetics, part of Exact Sciences
Classification: Uncertain significance for MAP1B-related condition. Last evaluated: 2024-09-13. Review status: no assertion criteria provided. Collection method: clinical testing. Allele origin: germline. Not counted in ClinVar's aggregate classification.
Comment: The MAP1B c.5402C>T variant is predicted to result in the amino acid substitution p.Ser1801Leu. To our knowledge, this variant has not been reported in the literature. This variant is reported in 0.058% of alleles in individuals of Ashkenazi Jewish descent in gnomAD. At this time, the clinical significance of this variant is uncertain due to the absence of conclusive functional and genetic evidence.